The following is an entry in ClinVar:

ClinVar aggregate classification (germline): Uncertain significance (1 of 4 stars; one submission).

Conditions:
Desmin-related myofibrillar myopathy (MFM1). Also called: MYOFIBRILLAR MYOPATHY WITH ARRHYTHMOGENIC RIGHT VENTRICULAR CARDIOMYOPATHY; DESMIN-RELATED MYOPATHY WITH ARRHYTHMOGENIC RIGHT VENTRICULAR CARDIOMYOPATHY; Desminopathy; Desmin related myopathy (former name); Desmin storage myopathy (former name); Myofibrillar myopathy 1. Identifiers: Orphanet 363543, Orphanet 98909, MedGen C1832370, MONDO:0011076, OMIM 601419.

Submission:

Labcorp Genetics (formerly Invitae), Labcorp
Classification: Uncertain significance for Desmin-related myofibrillar myopathy. Last evaluated: 2023-08-04. Review status: criteria provided, single submitter. Criteria: Invitae Variant Classification Sherloc (09022015). Collection method: clinical testing. Allele origin: germline.
Comment: In summary, the available evidence is currently insufficient to determine the role of this variant in disease. Therefore, it has been classified as a Variant of Uncertain Significance. Advanced modeling of protein sequence and biophysical properties (such as structural, functional, and spatial information, amino acid conservation, physicochemical variation, residue mobility, and thermodynamic stability) has been performed at Invitae for this missense variant, however the output from this modeling did not meet the statistical confidence thresholds required to predict the impact of this variant on DES protein function. This variant has not been reported in the literature in individuals affected with DES-related conditions. This variant is not present in population databases (gnomAD no frequency). This sequence change replaces threonine, which is neutral and polar, with isoleucine, which is neutral and non-polar, at codon 450 of the DES protein (p.Thr450Ile).

NM_001927.4(DES):c.1349C>T (p.Thr450Ile)

Gene: DES (desmin; plus strand). Cytogenetic location: 2q35.
Variant type: single nucleotide variant.
Coding change: c.1349C>T on transcript NM_001927.4 (MANE Select); coding-DNA position 1349, C replaced by T.
Protein change: p.Thr450Ile; replaces threonine 450 with isoleucine.
Molecular consequence: missense variant.
Genome position (GRCh38, 1-based): chr2:219,425,723, C>T. VCF-style: chr2-219425723-C-T. GRCh37 (hg19) VCF-style: chr2-220290445-C-T.
Other names: c.1346C>T, p.Thr449Ile (NM_001382708.1); c.917C>T, p.Thr306Ile (NM_001382709.1); c.1280C>T, p.Thr427Ile (NM_001382710.1); c.1328C>T, p.Thr443Ile (NM_001382711.1); c.1349C>T, p.Thr450Ile (NM_001382712.1); c.1079C>T, p.Thr360Ile (NM_001382713.1); short protein forms T427I, T449I, T450I, T306I, T360I, T443I.
Identifiers: ClinVar variation 2950654 (VCV002950654.3), dbSNP rs1312957576, ClinGen allele CA350698697.
Genomic context (GRCh38, chr2:219,425,723, plus strand): 5'-AAACCAGCCCTGAGCAAAGGGGTTCTGAGGTCCATACCAAGAAGACGGTGATGATCAAGA[C>T]CATCGAGACACGGGATGGGGAGGTAAGTGGTCTGTCTGGGCTCCTTACCCTTGGTGGGGG-3'
Protein context (NP_001918.3, residues 440-460): VHTKKTVMIK[Thr450Ile]IETRDGEVVS